The following is an entry in ClinVar:

ClinVar aggregate classification (germline): Likely benign (0 of 4 stars; one submission).

Conditions:
CENPJ-related disorder. Also called: CENPJ-related condition; CENPJ-related disorders.

Submission:

PreventionGenetics, part of Exact Sciences
Classification: Likely benign for CENPJ-related condition. Last evaluated: 2019-02-21. Review status: no assertion criteria provided. Collection method: clinical testing. Allele origin: germline.
Comment: This variant is classified as likely benign based on ACMG/AMP sequence variant interpretation guidelines (Richards et al. 2015 PMID: 25741868, with internal and published modifications).

NM_018451.5(CPAP):c.784_787del (p.Asn262fs)

Gene: CPAP (centrosome assembly and centriole elongation protein; minus strand). Cytogenetic location: 13q12.13.
Variant type: Deletion.
Coding change: c.784_787del on transcript NM_018451.5 (MANE Select); coding-DNA positions 784 to 787, 4 bases deleted (AATT; older notation c.784_787delAATT).
Protein change: p.Asn262fs; shifts the reading frame from asparagine 262.
Molecular consequence: frameshift variant. On other transcripts: non-coding transcript variant (2).
Genome position (GRCh38, 1-based): chr13:24,909,868-24,909,871, AATT deleted on the plus strand (AATT on the coding strand, the reverse complement: CPAP is on the minus strand); deleting any 4 consecutive bases within chr13:24,909,868-24,909,872 gives the same sequence; the c. name uses the placement nearest the transcript's 3' end. VCF-style (leftmost placement, unchanged base first): chr13-24909867-AAATT-A. GRCh37 (hg19) VCF-style: chr13-25484005-AAATT-A.
Other names: short protein forms N262fs.
Identifiers: ClinVar variation 3035548 (VCV003035548.2), dbSNP rs754392865, ClinGen allele CA6919922.